The following is an entry in ClinVar:

ClinVar aggregate classification (germline): Uncertain significance (1 of 4 stars; one submission).

Conditions:
Marfan syndrome (MFS). Also called: MARFAN SYNDROME, TYPE I; Marfan syndrome type 1; Marfan's syndrome; Marfan syndrome, classic; FBN1-Related Marfan Syndrome. Identifiers: Orphanet 284963, Orphanet 558, MedGen C0024796, MONDO:0007947, OMIM 154700.

Submission:

All of Us Research Program, National Institutes of Health
Classification: Uncertain significance for Marfan syndrome. Last evaluated: 2023-03-04. Review status: criteria provided, single submitter. Criteria: ACMG Guidelines, 2015. Collection method: clinical testing. Allele origin: germline. Inheritance: Autosomal dominant inheritance. Observed: 1 variant allele, 1 heterozygote.
Comment: This study involves interpretation of variants in research participants for the purpose of population health screening. Participant phenotype was not available at the time of variant classification. Additional details can be found in publication PMID: 35346344, PMCID: PMC8962531

NM_000138.5(FBN1):c.5380C>G (p.Pro1794Ala)

Gene: FBN1 (fibrillin 1; minus strand). Cytogenetic location: 15q21.1.
Variant type: single nucleotide variant.
Coding change: c.5380C>G on transcript NM_000138.5 (MANE Select); coding-DNA position 5380, C replaced by G.
Protein change: p.Pro1794Ala; replaces proline 1794 with alanine.
Molecular consequence: missense variant.
Genome position (GRCh38, 1-based): chr15:48,456,679, G>C on the plus strand (C>G on the coding strand, the complement: FBN1 is on the minus strand). VCF-style: chr15-48456679-G-C. GRCh37 (hg19) VCF-style: chr15-48748876-G-C.
Other names: c.5380C>G, p.Pro1794Ala (NM_001406716.1); short protein forms P1794A.
Identifiers: ClinVar variation 3069447 (VCV003069447.1), dbSNP rs773214940, ClinGen allele CA392345979.